The following is an entry in ClinVar:

ClinVar aggregate classification (germline): Pathogenic/Likely pathogenic. Review status: criteria provided, multiple submitters, no conflicts (2 of 4 stars). 4 submissions from 4 submitters: Pathogenic (2); Likely pathogenic (2). Last evaluated 2023-12-22.

Conditions:
USH2A-related disorder. Also called: USH2A-related disorders; USH2A-related condition. Identifiers: MedGen CN239332.
Usher syndrome type 2A. Also called: RETINAL DISEASE IN USHER SYNDROME TYPE IIA, MODIFIER OF; USHER SYNDROME, TYPE IIA. Identifiers: Orphanet 231178, Orphanet 886, MedGen C1848634, MONDO:0010169, OMIM 276901.

gnomAD v4.1: 59 of 1,614,044 alleles (0.0037%); highest among the groups gnomAD compares: Non-Finnish European, 0.0029%; no homozygotes.

Submissions (4):

Blueprint Genetics
Classification: Pathogenic for USH2A-related disorders. Last evaluated: 2023-12-22. Review status: criteria provided, single submitter. Criteria: ACMG Guidelines, 2015. Collection method: clinical testing. Allele origin: germline. Affected: yes. Observed: 5 variant alleles.

Genome-Nilou Lab
Classification: Likely pathogenic for Usher syndrome type 2A. Last evaluated: 2023-11-04. Review status: criteria provided, single submitter. Criteria: ACMG Guidelines, 2015. Collection method: clinical testing. Allele origin: germline. Affected: no.

Institute of Medical Genetics and Applied Genomics, University Hospital Tübingen
Classification: Likely pathogenic. Last evaluated: 2020-10-23. Review status: criteria provided, single submitter. Criteria: ACMG Guidelines, 2015. Collection method: clinical testing. Allele origin: germline. Inheritance: Autosomal recessive inheritance. Affected: yes.

Centre for Mendelian Genomics, University Medical Centre Ljubljana
Classification: Pathogenic for Usher syndrome type 2A. Last evaluated: 2020-01-19. Review status: criteria provided, single submitter. Criteria: ACMG Guidelines, 2015. Collection method: clinical testing. Allele origin: unknown. Affected: yes.
Comment: This variant was classified as: Pathogenic. The following ACMG criteria were applied in classifying this variant: PVS1,PM2,PP3. This variant was detected in homozygous state.

NM_206933.4(USH2A):c.13339A>T (p.Met4447Leu)

Gene: USH2A (usherin; minus strand). Cytogenetic location: 1q41.
Variant type: single nucleotide variant.
Coding change: c.13339A>T on transcript NM_206933.4 (MANE Select); coding-DNA position 13339, A replaced by T.
Protein change: p.Met4447Leu; replaces methionine 4447 with leucine.
Molecular consequence: missense variant.
Genome position (GRCh38, 1-based): chr1:215,674,572, T>A on the plus strand (A>T on the coding strand, the complement: USH2A is on the minus strand). VCF-style: chr1-215674572-T-A. GRCh37 (hg19) VCF-style: chr1-215847914-T-A.
Other names: short protein forms M4447L.
Identifiers: ClinVar variation 930727 (VCV000930727.7), dbSNP rs139474806, ClinGen allele CA1393309.